The following is an entry in ClinVar:

ClinVar aggregate classification (germline): Uncertain significance (1 of 4 stars; one submission).

Submission:

GeneDx
Classification: Uncertain significance. Last evaluated: 2023-12-19. Review status: criteria provided, single submitter. Criteria: GeneDx Variant Classification Process June 2021. Collection method: clinical testing. Allele origin: germline. Affected: yes.
Comment: Not observed at significant frequency in large population cohorts (gnomAD); In silico analysis supports that this missense variant does not alter protein structure/function; Has not been previously published as pathogenic or benign to our knowledge

NM_004656.4(BAP1):c.1961T>C (p.Val654Ala)

Gene: BAP1 (BRCA1 associated deubiquitinase 1; minus strand). Cytogenetic location: 3p21.1.
Variant type: single nucleotide variant.
Coding change: c.1961T>C on transcript NM_004656.4 (MANE Select); coding-DNA position 1961, T replaced by C.
Protein change: p.Val654Ala; replaces valine 654 with alanine.
Molecular consequence: missense variant.
Genome position (GRCh38, 1-based): chr3:52,402,801, A>G on the plus strand (T>C on the coding strand, the complement: BAP1 is on the minus strand). VCF-style: chr3-52402801-A-G. GRCh37 (hg19) VCF-style: chr3-52436817-A-G.
Other names: c.1907T>C, p.Val636Ala (NM_001410772.1); short protein forms V636A, V654A.
Identifiers: ClinVar variation 3370117 (VCV003370117.1).